The following is an entry in ClinVar:

NM_001374736.1(DST):c.21428A>C (p.His7143Pro)

Gene: DST (dystonin; minus strand). Cytogenetic location: 6p12.1.
Variant type: single nucleotide variant.
Coding change: c.21428A>C on transcript NM_001374736.1 (MANE Select); coding-DNA position 21428, A replaced by C.
Protein change: p.His7143Pro; replaces histidine 7143 with proline.
Molecular consequence: missense variant.
Genome position (GRCh38, 1-based): chr6:56,482,153, T>G on the plus strand (A>C on the coding strand, the complement: DST is on the minus strand). VCF-style: chr6-56482153-T-G. GRCh37 (hg19) VCF-style: chr6-56346951-T-G.
Other names: c.15071A>C, p.His5024Pro (NM_001144769.5); c.14657A>C, p.His4886Pro (NM_001144770.2); c.21428A>C, p.His7143Pro (NM_001374722.1); c.20468A>C, p.His6823Pro (NM_001374729.1); c.14210A>C, p.His4737Pro (NM_001374730.1); c.21455A>C, p.His7152Pro (NM_001374734.1); c.14537A>C, p.His4846Pro (NM_001386100.1, NM_183380.4); c.13559A>C, p.His4520Pro (NM_015548.5); short protein forms H4737P, H4886P, H7152P, H4846P, H5024P, H7143P, H4520P, H6823P.
Identifiers: ClinVar variation 1774101 (VCV001774101.2), dbSNP rs2095421544, ClinGen allele CA364511933.

ClinVar aggregate classification (germline): Uncertain significance (1 of 4 stars; one submission).

Conditions:
Inborn genetic diseases. Identifiers: MedGen C0950123, MeSH D030342.

Allele frequency attached by ClinVar (database versions not stated): gnomAD exomes below 0.00001.
gnomAD v4.1: 1 of 1,611,398 alleles (0.000062%); highest among the groups gnomAD compares: Non-Finnish European, 0.000085%; no homozygotes.

Submission:

Ambry Genetics
Classification: Uncertain significance for Inborn genetic diseases. Last evaluated: 2021-07-23. Review status: criteria provided, single submitter. Criteria: Ambry Variant Classification Scheme 2023. Collection method: clinical testing. Allele origin: germline.
Comment: The p.H5024P variant (also known as c.15071A>C), located in coding exon 84 of the DST gene, results from an A to C substitution at nucleotide position 15071. The histidine at codon 5024 is replaced by proline, an amino acid with similar properties. This amino acid position is well conserved in available vertebrate species. In addition, this alteration is predicted to be deleterious by in silico analysis. Since supporting evidence is limited at this time, the clinical significance of this alteration remains unclear.